The following is an entry in ClinVar:

NM_000321.3(RB1):c.203A>G (p.Asp68Gly)

Gene: RB1 (RB transcriptional corepressor 1; plus strand). Cytogenetic location: 13q14.2.
Variant type: single nucleotide variant.
Coding change: c.203A>G on transcript NM_000321.3 (MANE Select); coding-DNA position 203, A replaced by G.
Protein change: p.Asp68Gly; replaces aspartic acid 68 with glycine.
Molecular consequence: missense variant.
Genome position (GRCh38, 1-based): chr13:48,307,345, A>G. VCF-style: chr13-48307345-A-G. GRCh37 (hg19) VCF-style: chr13-48881481-A-G.
Other names: short protein forms D68G.
Identifiers: ClinVar variation 942736 (VCV000942736.10), dbSNP rs1952089852, ClinGen allele CA388250570.

ClinVar aggregate classification (germline): Uncertain significance. Review status: criteria provided, multiple submitters, no conflicts (2 of 4 stars). 2 submissions from 2 submitters: Uncertain significance (2). Last evaluated 2025-08-14.

Conditions:
Hereditary cancer-predisposing syndrome. Also called: Hereditary neoplastic syndrome; Neoplastic Syndromes, Hereditary; Tumor predisposition; Hereditary Cancer Syndrome. Identifiers: Orphanet 140162, MedGen C0027672, MeSH D009386, MONDO:0015356.
Retinoblastoma (RB1). Also called: RETINOBLASTOMA, SOMATIC. Identifiers: Orphanet 790, MedGen C0035335, MeSH D012175, MONDO:0008380, OMIM 180200, HP:0009919. Disease mechanism: loss of function. Inheritance: Both sporadic and heritable forms are tested..

Submissions (2):

Ambry Genetics
Classification: Uncertain significance for Hereditary cancer-predisposing syndrome. Last evaluated: 2025-08-14. Review status: criteria provided, single submitter. Criteria: Ambry Variant Classification Scheme 2023. Collection method: clinical testing. Allele origin: germline.
Comment: The p.D68G variant (also known as c.203A>G), located in coding exon 2 of the RB1 gene, results from an A to G substitution at nucleotide position 203. The aspartic acid at codon 68 is replaced by glycine, an amino acid with similar properties. This amino acid position is well conserved in available vertebrate species. In addition, the in silico prediction for this alteration is inconclusive. Based on the available evidence, the clinical significance of this variant remains unclear.

Labcorp Genetics (formerly Invitae), Labcorp
Classification: Uncertain significance for Retinoblastoma. Last evaluated: 2024-06-10. Review status: criteria provided, single submitter. Criteria: Invitae Variant Classification Sherloc (09022015). Collection method: clinical testing. Allele origin: germline.
Comment: This sequence change replaces aspartic acid, which is acidic and polar, with glycine, which is neutral and non-polar, at codon 68 of the RB1 protein (p.Asp68Gly). This variant is not present in population databases (gnomAD no frequency). This variant has not been reported in the literature in individuals affected with RB1-related conditions. ClinVar contains an entry for this variant (Variation ID: 942736). Advanced modeling of protein sequence and biophysical properties (such as structural, functional, and spatial information, amino acid conservation, physicochemical variation, residue mobility, and thermodynamic stability) performed at Invitae indicates that this missense variant is not expected to disrupt RB1 protein function with a negative predictive value of 80%. In summary, the available evidence is currently insufficient to determine the role of this variant in disease. Therefore, it has been classified as a Variant of Uncertain Significance.